The following is an entry in ClinVar:

NM_001098511.3(KIF2A):c.1193G>T (p.Gly398Val)

Gene: KIF2A (kinesin family member 2A; plus strand). Cytogenetic location: 5q12.1.
Variant type: single nucleotide variant.
Coding change: c.1193G>T on transcript NM_001098511.3 (MANE Select); coding-DNA position 1193, G replaced by T.
Protein change: p.Gly398Val; replaces glycine 398 with valine.
Molecular consequence: missense variant.
Genome position (GRCh38, 1-based): chr5:62,363,251, G>T. VCF-style: chr5-62363251-G-T. GRCh37 (hg19) VCF-style: chr5-61659078-G-T.
Other names: c.1112G>T, p.Gly371Val (NM_001243952.2); c.1136G>T, p.Gly379Val (NM_001243953.2); c.1193G>T, p.Gly398Val (NM_004520.5); short protein forms G398V, G379V, G371V.
Identifiers: ClinVar variation 2746864 (VCV002746864.3), dbSNP rs2531356699, ClinGen allele CA359951028.

ClinVar aggregate classification (germline): Uncertain significance (1 of 4 stars; one submission).

Submission:

Labcorp Genetics (formerly Invitae), Labcorp
Classification: Uncertain significance. Last evaluated: 2023-07-25. Review status: criteria provided, single submitter. Criteria: Invitae Variant Classification Sherloc (09022015). Collection method: clinical testing. Allele origin: germline.
Comment: This sequence change replaces glycine, which is neutral and non-polar, with valine, which is neutral and non-polar, at codon 398 of the KIF2A protein (p.Gly398Val). This variant is not present in population databases (gnomAD no frequency). In summary, the available evidence is currently insufficient to determine the role of this variant in disease. Therefore, it has been classified as a Variant of Uncertain Significance. An algorithm developed to predict the effect of missense changes on protein structure and function (PolyPhen-2) suggests that this variant is likely to be disruptive. This variant has not been reported in the literature in individuals affected with KIF2A-related conditions.